The following is an entry in ClinVar:

NM_153252.5(BRWD3):c.202C>A (p.Pro68Thr)

Gene: BRWD3 (bromodomain and WD repeat domain containing 3; minus strand). Cytogenetic location: Xq21.1.
Variant type: single nucleotide variant.
Coding change: c.202C>A on transcript NM_153252.5 (MANE Select); coding-DNA position 202, C replaced by A.
Protein change: p.Pro68Thr; replaces proline 68 with threonine.
Molecular consequence: missense variant.
Genome position (GRCh38, 1-based): chrX:80,793,751, G>T on the plus strand (C>A on the coding strand, the complement: BRWD3 is on the minus strand). VCF-style: chrX-80793751-G-T. GRCh37 (hg19) VCF-style: chrX-80049250-G-T.
Other names: c.202C>A, p.Pro68Thr (NM_001441339.1); short protein forms P68T.
Identifiers: ClinVar variation 4688177 (VCV004688177.1).
Genomic context (GRCh38, chrX:80,793,751, plus strand): 5'-GGATCTCTTTATCTAGTAAAGGACCAATTCTCTCACAAATTTTAAGGAGGTAGTCTGGAG[G>T]AATGTGTGCATTTGCTGCCACCTAAAAAAGTATAAATAAAACACAGGAAAAACACATTTA-3'
Protein context (NP_694984.5, residues 58-78): EDLVAANAHI[Pro68Thr]PDYLLKICER

ClinVar aggregate classification (germline): VUS-mid (1 of 4 stars; one submission).

Conditions:
Intellectual developmental disorder, X-linked 93. Also called: MENTAL RETARDATION, X-LINKED, WITH MACROCEPHALY; Intellectual disability, X-linked 93. Identifiers: MedGen C1970841, MONDO:0010393, OMIM 300659.

Submission:

Laboratory of Molecular Genetics, Federal State Budgetary Educational Institution of Higher Education, Saint Petersburg State Pediatric Medical University of the Ministry of Health of the Russian Federation
Classification: VUS-mid for Intellectual developmental disorder, X-linked 93. Last evaluated: 2025-10-07. Review status: criteria provided, single submitter. Criteria: ACMG Guidelines, 2015. Collection method: provider interpretation. Allele origin: germline. Inheritance: X-linked recessive inheritance. Affected: yes. Observed: 1 hemizygote.
Comment: The NM_153252.5 c.202C>A, is a missense variant in BRWD3 which is predicted to result in a change Pro to Thr in position 68. Missense variant in a gene with low rate of benign missense mutations and for which missense mutation is a common mechanism of a disease (PM1). This variant has not been previously described in patients, which may indirectly indicate its pathogenicity - extremely low frequency in gnomAD population databases (BA1) (BS1) (BS2)